The following is an entry in ClinVar:

NM_017654.4(SAMD9):c.922G>A (p.Asp308Asn)

Gene: SAMD9 (sterile alpha motif domain containing 9; minus strand). Cytogenetic location: 7q21.2.
Variant type: single nucleotide variant.
Coding change: c.922G>A on transcript NM_017654.4 (MANE Select); coding-DNA position 922, G replaced by A.
Protein change: p.Asp308Asn; replaces aspartic acid 308 with asparagine.
Molecular consequence: missense variant.
Genome position (GRCh38, 1-based): chr7:93,105,176, C>T on the plus strand (G>A on the coding strand, the complement: SAMD9 is on the minus strand). VCF-style: chr7-93105176-C-T. GRCh37 (hg19) VCF-style: chr7-92734489-C-T.
Other names: c.922G>A, p.Asp308Asn (NM_001193307.2); short protein forms D308N.
Identifiers: ClinVar variation 2117391 (VCV002117391.4), dbSNP rs2535361630, ClinGen allele CA368203330.

ClinVar aggregate classification (germline): Uncertain significance (1 of 4 stars; one submission).

Submission:

Labcorp Genetics (formerly Invitae), Labcorp
Classification: Uncertain significance. Last evaluated: 2022-03-26. Review status: criteria provided, single submitter. Criteria: Invitae Variant Classification Sherloc (09022015). Collection method: clinical testing. Allele origin: germline.
Comment: In summary, the available evidence is currently insufficient to determine the role of this variant in disease. Therefore, it has been classified as a Variant of Uncertain Significance. Algorithms developed to predict the effect of missense changes on protein structure and function output the following: SIFT: "Deleterious"; PolyPhen-2: "Possibly Damaging"; Align-GVGD: "Class C0". The asparagine amino acid residue is found in multiple mammalian species, which suggests that this missense change does not adversely affect protein function. This variant has not been reported in the literature in individuals affected with SAMD9-related conditions. This variant is not present in population databases (gnomAD no frequency). This sequence change replaces aspartic acid, which is acidic and polar, with asparagine, which is neutral and polar, at codon 308 of the SAMD9 protein (p.Asp308Asn).